The following is an entry in ClinVar:

ClinVar aggregate classification (germline): Uncertain significance (1 of 4 stars; one submission).

Conditions:
Hereditary pancreatitis (PCTT). Also called: PRSS1-Related Hereditary Pancreatitis; Hereditary chronic pancreatitis. Identifiers: Orphanet 676, MedGen C0238339, MONDO:0008185, OMIM 167800.

Allele frequency attached by ClinVar (database versions not stated): gnomAD 0.00001; TOPMed 0.00002.
gnomAD v4.1: 2 of 1,614,048 alleles (0.00012%); highest among the groups gnomAD compares: African/African-American, 0.0013%; no homozygotes.

Submission:

Ambry Genetics
Classification: Uncertain significance for Hereditary pancreatitis. Last evaluated: 2023-06-27. Review status: criteria provided, single submitter. Criteria: Ambry Variant Classification Scheme 2023. Collection method: clinical testing. Allele origin: germline.
Comment: The p.L381H variant (also known as c.1142T>A), located in coding exon 10 of the CPA1 gene, results from a T to A substitution at nucleotide position 1142. The leucine at codon 381 is replaced by histidine, an amino acid with similar properties. This amino acid position is conserved. In addition, this alteration is predicted to be deleterious by in silico analysis. Since supporting evidence is limited at this time, the clinical significance of this alteration remains unclear.

NM_001868.4(CPA1):c.1142T>A (p.Leu381His)

Gene: CPA1 (carboxypeptidase A1; plus strand). Cytogenetic location: 7q32.2.
Variant type: single nucleotide variant.
Coding change: c.1142T>A on transcript NM_001868.4 (MANE Select); coding-DNA position 1142, T replaced by A.
Protein change: p.Leu381His; replaces leucine 381 with histidine.
Molecular consequence: missense variant.
Genome position (GRCh38, 1-based): chr7:130,387,893, T>A. VCF-style: chr7-130387893-T-A. GRCh37 (hg19) VCF-style: chr7-130027734-T-A.
Other names: short protein forms L381H.
Identifiers: ClinVar variation 2622106 (VCV002622106.2), dbSNP rs1287422454, ClinGen allele CA369284329.